The following is an entry in ClinVar:

NM_001130438.3(SPTAN1):c.3145A>G (p.Ile1049Val)

Gene: SPTAN1 (spectrin alpha, non-erythrocytic 1; plus strand). Cytogenetic location: 9q34.11.
Variant type: single nucleotide variant.
Coding change: c.3145A>G on transcript NM_001130438.3 (MANE Select); coding-DNA position 3145, A replaced by G.
Protein change: p.Ile1049Val; replaces isoleucine 1049 with valine.
Molecular consequence: missense variant.
Genome position (GRCh38, 1-based): chr9:128,591,615, A>G. VCF-style: chr9-128591615-A-G. GRCh37 (hg19) VCF-style: chr9-131353894-A-G.
Other names: c.3145A>G, p.Ile1049Val (NM_001195532.2, NM_001363759.2, NM_001363765.2 and 5 more transcripts); c.3181A>G, p.Ile1061Val (NM_001375312.2, NM_001375318.1); short protein forms I1049V, I1061V.
Identifiers: ClinVar variation 2738947 (VCV002738947.4), dbSNP rs374186379, ClinGen allele CA5264829.

ClinVar aggregate classification (germline): Uncertain significance. Review status: criteria provided, multiple submitters, no conflicts (2 of 4 stars). 2 submissions from 2 submitters: Uncertain significance (2). Last evaluated 2025-06-29.

Conditions:
Early-infantile DEE. Also called: Early infantile epileptic encephalopathy with suppression bursts; Ohtahara syndrome; Early infantile epileptic encephalopathy. Identifiers: Orphanet 1934, MedGen C0393706, MONDO:0800491.

Allele frequency attached by ClinVar (database versions not stated): TOPMed below 0.00001; gnomAD 0.00003; ExAC 0.00005; ESP Exome Variant Server 0.00008.
gnomAD v4.1: 27 of 1,613,942 alleles (0.0017%); highest among the groups gnomAD compares: Non-Finnish European, 0.00017%; no homozygotes.

Submissions (2):

Labcorp Genetics (formerly Invitae), Labcorp
Classification: Uncertain significance for Early-infantile DEE. Last evaluated: 2025-06-29. Review status: criteria provided, single submitter. Criteria: Invitae Variant Classification Sherloc (09022015). Collection method: clinical testing. Allele origin: germline.
Comment: This sequence change replaces isoleucine, which is neutral and non-polar, with valine, which is neutral and non-polar, at codon 1049 of the SPTAN1 protein (p.Ile1049Val). This variant is present in population databases (rs374186379, gnomAD 0.04%). This variant has not been reported in the literature in individuals affected with SPTAN1-related conditions. ClinVar contains an entry for this variant (Variation ID: 2738947). Invitae Evidence Modeling of protein sequence and biophysical properties (such as structural, functional, and spatial information, amino acid conservation, physicochemical variation, residue mobility, and thermodynamic stability) has been performed for this missense variant. However, the output from this modeling did not meet the statistical confidence thresholds required to predict the impact of this variant on SPTAN1 protein function. Algorithms developed to predict the effect of sequence changes on RNA splicing suggest that this variant may create or strengthen a splice site. In summary, the available evidence is currently insufficient to determine the role of this variant in disease. Therefore, it has been classified as a Variant of Uncertain Significance.

Blueprint Genetics
Classification: Uncertain significance. Last evaluated: 2024-05-15. Review status: criteria provided, single submitter. Criteria: ACMG Guidelines, 2015. Collection method: clinical testing. Allele origin: germline.